The following is an entry in ClinVar:

NM_001367624.2(ZNF469):c.7089C>T (p.Pro2363=)

Gene: ZNF469 (zinc finger protein 469; plus strand). Cytogenetic location: 16q24.2.
Variant type: single nucleotide variant.
Coding change: c.7089C>T on transcript NM_001367624.2 (MANE Select); coding-DNA position 7089, C replaced by T.
Protein change: p.Pro2363=; no amino-acid change (proline 2363 retained).
Molecular consequence: synonymous variant.
Genome position (GRCh38, 1-based): chr16:88,434,559, C>T. VCF-style: chr16-88434559-C-T. GRCh37 (hg19) VCF-style: chr16-88500967-C-T.
Other names: NM_001127464.1:c.7005C>T.
Identifiers: ClinVar variation 514885 (VCV000514885.7), dbSNP rs779456576, ClinGen allele CA286382329.

ClinVar aggregate classification (germline): Likely benign. Review status: criteria provided, multiple submitters, no conflicts (2 of 4 stars). 4 submissions from 4 submitters: Likely benign (4). Last evaluated 2026-07-01.

Conditions:
Cardiovascular phenotype. Identifiers: MedGen CN230736.

Allele frequency attached by ClinVar (database versions not stated): gnomAD 0.00001; gnomAD exomes 0.00001; TOPMed 0.00001.
gnomAD v4.1: 16 of 1,550,220 alleles (0.001%); highest among the groups gnomAD compares: Non-Finnish European, 0.0014%; no homozygotes.

Submissions (4):

CeGaT Center for Human Genetics Tuebingen
Classification: Likely benign. Last evaluated: 2026-07-01. Review status: criteria provided, single submitter. Criteria: CeGaT Center For Human Genetics Tuebingen Variant Classification Criteria Version 2. Collection method: clinical testing. Allele origin: germline. Affected: yes. Observed: 1 variant allele.
Comment: ZNF469: BP4, BP7

Labcorp Genetics (formerly Invitae), Labcorp
Classification: Likely benign. Last evaluated: 2024-02-16. Review status: criteria provided, single submitter. Criteria: Invitae Variant Classification Sherloc (09022015). Collection method: clinical testing. Allele origin: germline.

Ambry Genetics
Classification: Likely benign for Cardiovascular phenotype. Last evaluated: 2022-12-01. Review status: criteria provided, single submitter. Criteria: Ambry Variant Classification Scheme 2023. Collection method: clinical testing. Allele origin: germline.

GeneDx
Classification: Likely benign. Last evaluated: 2018-01-16. Review status: criteria provided, single submitter. Criteria: GeneDx Variant Classification (06012015). Collection method: clinical testing. Allele origin: germline. Affected: yes.
Comment: This variant is considered likely benign or benign based on one or more of the following criteria: it is a conservative change, it occurs at a poorly conserved position in the protein, it is predicted to be benign by multiple in silico algorithms, and/or has population frequency not consistent with disease.